The following is an entry in ClinVar:

NM_001042545.2(LTBP4):c.3800G>A (p.Arg1267His)

Gene: LTBP4 (latent transforming growth factor beta binding protein 4; plus strand). Cytogenetic location: 19q13.2.
Variant type: single nucleotide variant.
Coding change: c.3800G>A on transcript NM_001042545.2 (MANE Select); coding-DNA position 3800, G replaced by A.
Protein change: p.Arg1267His; replaces arginine 1267 with histidine.
Molecular consequence: missense variant.
Genome position (GRCh38, 1-based): chr19:40,624,050, G>A. VCF-style: chr19-40624050-G-A. GRCh37 (hg19) VCF-style: chr19-41129955-G-A.
Other names: c.4001G>A, p.Arg1334His (NM_001042544.1); c.3890G>A, p.Arg1297His (NM_003573.2); short protein forms R1267H, R1334H, R1297H.
Identifiers: ClinVar variation 1916096 (VCV001916096.3), dbSNP rs761675078, ClinGen allele CA9449133.

ClinVar aggregate classification (germline): Uncertain significance. Review status: criteria provided, multiple submitters, no conflicts (2 of 4 stars). 2 submissions from 2 submitters: Uncertain significance (2). Last evaluated 2023-07-28.

Allele frequency attached by ClinVar (database versions not stated): TOPMed below 0.00001; ExAC 0.00002.
gnomAD v4.1: 25 of 1,585,754 alleles (0.0016%); highest among the groups gnomAD compares: Non-Finnish European, 0.0021%; no homozygotes.

Submissions (2):

GeneDx
Classification: Uncertain significance. Last evaluated: 2023-07-28. Review status: criteria provided, single submitter. Criteria: GeneDx Variant Classification Process June 2021. Collection method: clinical testing. Allele origin: germline. Affected: yes.
Comment: Has not been previously published as pathogenic or benign to our knowledge; Not observed at significant frequency in large population cohorts (gnomAD); In silico analysis supports that this missense variant has a deleterious effect on protein structure/function

Labcorp Genetics (formerly Invitae), Labcorp
Classification: Uncertain significance. Last evaluated: 2022-10-13. Review status: criteria provided, single submitter. Criteria: Invitae Variant Classification Sherloc (09022015). Collection method: clinical testing. Allele origin: germline.
Comment: This sequence change replaces arginine, which is basic and polar, with histidine, which is basic and polar, at codon 1297 of the LTBP4 protein (p.Arg1297His). This variant is present in population databases (rs761675078, gnomAD 0.002%). This variant has not been reported in the literature in individuals affected with LTBP4-related conditions. Experimental studies and prediction algorithms are not available or were not evaluated, and the functional significance of this variant is currently unknown. In summary, the available evidence is currently insufficient to determine the role of this variant in disease. Therefore, it has been classified as a Variant of Uncertain Significance.